The following is an entry in ClinVar:

ClinVar aggregate classification (germline): Likely pathogenic. Review status: criteria provided, multiple submitters, no conflicts (2 of 4 stars). 2 submissions from 2 submitters: Likely pathogenic (2). Last evaluated 2022-01-26.

Conditions:
Intellectual developmental disorder, X-linked 106. Also called: Intellectual disability, X-linked 106; Mental retardation, X-linked 106. Identifiers: MedGen C4478379, MONDO:0030907, OMIM 300997.

Submissions (2):

GeneDx
Classification: Likely pathogenic. Last evaluated: 2022-01-26. Review status: criteria provided, single submitter. Criteria: GeneDx Variant Classification Process June 2021. Collection method: clinical testing. Allele origin: germline. Affected: yes.
Comment: Not observed at significant frequency in large population cohorts (gnomAD); In silico analysis supports that this missense variant has a deleterious effect on protein structure/function; Reported in ClinVar but additional evidence is not available (ClinVar Variant ID#689775); This variant is associated with the following publications: (PMID: 31216405)

Baylor Genetics
Classification: Likely pathogenic for Intellectual developmental disorder, X-linked 106. Last evaluated: 2017-12-31. Review status: criteria provided, single submitter. Criteria: ACMG Guidelines, 2015. Collection method: clinical testing. Allele origin: germline. Affected: yes.

NM_181672.3(OGT):c.2795C>T (p.Thr932Ile)

Gene: OGT (O-linked N-acetylglucosamine (GlcNAc) transferase; plus strand). Cytogenetic location: Xq13.1.
Variant type: single nucleotide variant.
Coding change: c.2795C>T on transcript NM_181672.3 (MANE Select); coding-DNA position 2795, C replaced by T.
Protein change: p.Thr932Ile; replaces threonine 932 with isoleucine.
Molecular consequence: missense variant.
Genome position (GRCh38, 1-based): chrX:71,567,705, C>T. VCF-style: chrX-71567705-C-T. GRCh37 (hg19) VCF-style: chrX-70787555-C-T.
Other names: c.2765C>T, p.Thr922Ile (NM_181673.3); short protein forms T932I, T922I.
Identifiers: ClinVar variation 689775 (VCV000689775.3), dbSNP rs1602155923, ClinGen allele CA413571645.